The following is an entry in ClinVar:

ClinVar aggregate classification (germline): Conflicting classifications of pathogenicity. Review status: criteria provided, conflicting classifications (1 of 4 stars). 3 submissions from 3 submitters: Pathogenic (1); Uncertain significance (2). Last evaluated 2026-08-24.

Conditions:
NPC1-related disorder. Also called: NPC1-related condition.
Inborn genetic diseases. Identifiers: MedGen C0950123, MeSH D030342.
Niemann-Pick disease, type C1. Also called: NEUROVISCERAL STORAGE DISEASE WITH VERTICAL SUPRANUCLEAR OPHTHALMOPLEGIA; NIEMANN-PICK DISEASE WITH CHOLESTEROL ESTERIFICATION BLOCK; NIEMANN-PICK DISEASE WITHOUT SPHINGOMYELINASE DEFICIENCY; NIEMANN-PICK DISEASE, CHRONIC NEURONOPATHIC FORM; NIEMANN-PICK DISEASE, VARIANT TYPE C1. Identifiers: Orphanet 646, MedGen C3179455, MONDO:0009757, OMIM 257220.

Allele frequency attached by ClinVar (database versions not stated): gnomAD exomes below 0.00001.
gnomAD v4.1: 1 of 1,614,192 alleles (0.000062%); highest among the groups gnomAD compares: Non-Finnish European, 0.000085%; no homozygotes.

Submissions (3):

PreventionGenetics, part of Exact Sciences
Classification: Uncertain significance for NPC1-related condition. Last evaluated: 2026-08-24. Review status: criteria provided, single submitter. Criteria: ACMG Guidelines, 2015. Collection method: clinical testing. Allele origin: germline.
Comment: The NPC1 c.3173C>A variant is predicted to result in the amino acid substitution p.Ala1058Asp. To our knowledge, this variant has not been reported in the literature or in a large population database (gnomAD), indicating this variant is rare. This variant was observed along with a second variant of uncertain significance in two siblings with a suspected diagnosis of Niemann-Pick disease, although to our knowledge additional testing to determine the phase of the variants (on the same or opposite chromosomes) was not performed (PreventionGenetics internal data). At this time, the clinical significance of this variant is uncertain due to the absence of conclusive functional and genetic evidence.

Labcorp Genetics (formerly Invitae), Labcorp
Classification: Pathogenic for Niemann-Pick disease, type C1. Last evaluated: 2025-10-09. Review status: criteria provided, single submitter. Criteria: Invitae Variant Classification Sherloc (09022015). Collection method: clinical testing. Allele origin: germline.
Comment: This sequence change replaces alanine, which is neutral and non-polar, with aspartic acid, which is acidic and polar, at codon 1058 of the NPC1 protein (p.Ala1058Asp). This variant is not present in population databases (gnomAD no frequency). This missense change has been observed in individual(s) with clinical features of Niemann-Pick disease type C (internal data). In at least one individual the data is consistent with being in trans (on the opposite chromosome) from a pathogenic variant. ClinVar contains an entry for this variant (Variation ID: 1728463). Invitae Evidence Modeling of protein sequence and biophysical properties (such as structural, functional, and spatial information, amino acid conservation, physicochemical variation, residue mobility, and thermodynamic stability) indicates that this missense variant is expected to disrupt NPC1 protein function with a positive predictive value of 95%. For these reasons, this variant has been classified as Pathogenic.

Ambry Genetics
Classification: Uncertain significance for Inborn genetic diseases. Last evaluated: 2022-10-21. Review status: criteria provided, single submitter. Criteria: Ambry Variant Classification Scheme 2023. Collection method: clinical testing. Allele origin: germline.
Comment: The p.A1058D variant (also known as c.3173C>A), located in coding exon 21 of the NPC1 gene, results from a C to A substitution at nucleotide position 3173. The alanine at codon 1058 is replaced by aspartic acid, an amino acid with dissimilar properties. This amino acid position is conserved. In addition, this alteration is predicted to be deleterious by in silico analysis. Since supporting evidence is limited at this time, the clinical significance of this alteration remains unclear.

NM_000271.5(NPC1):c.3173C>A (p.Ala1058Asp)

Gene: NPC1 (NPC intracellular cholesterol transporter 1; minus strand). Cytogenetic location: 18q11.2.
Variant type: single nucleotide variant.
Coding change: c.3173C>A on transcript NM_000271.5 (MANE Select); coding-DNA position 3173, C replaced by A.
Protein change: p.Ala1058Asp; replaces alanine 1058 with aspartic acid.
Molecular consequence: missense variant.
Genome position (GRCh38, 1-based): chr18:23,536,745, G>T on the plus strand (C>A on the coding strand, the complement: NPC1 is on the minus strand). VCF-style: chr18-23536745-G-T. GRCh37 (hg19) VCF-style: chr18-21116709-G-T.
Other names: short protein forms A1058D.
Identifiers: ClinVar variation 1728463 (VCV001728463.5), dbSNP rs2511197050, ClinGen allele CA401791777.